The following is an entry in ClinVar:

NM_030665.4(RAI1):c.2750C>G (p.Pro917Arg)

Gene: RAI1 (retinoic acid induced 1; plus strand). Cytogenetic location: 17p11.2.
Variant type: single nucleotide variant.
Coding change: c.2750C>G on transcript NM_030665.4 (MANE Select); coding-DNA position 2750, C replaced by G.
Protein change: p.Pro917Arg; replaces proline 917 with arginine.
Molecular consequence: missense variant.
Genome position (GRCh38, 1-based): chr17:17,795,698, C>G. VCF-style: chr17-17795698-C-G. GRCh37 (hg19) VCF-style: chr17-17699012-C-G.
Other names: short protein forms P917R.
Identifiers: ClinVar variation 5000967 (VCV005000967.1).
Genomic context (GRCh38, chr17:17,795,698, plus strand): 5'-TCATCTGCACCAAGGAGGAGGTGGAGGAGGTGCTGGACTCCAAGGCCGGCTGGGGCTCTC[C>G]GTGCCACCTCTCAGGGGAGTCCGTCATCCTGCTGGGCCCTACAGTGGGCACCGAGTCAAA-3'
Protein context (NP_109590.3, residues 907-927): VLDSKAGWGS[Pro917Arg]CHLSGESVIL

ClinVar aggregate classification (germline): Uncertain significance (1 of 4 stars; one submission).

Conditions:
RAI1-related disorder. Also called: RAI1-related condition.

Submission:

PreventionGenetics, part of Exact Sciences
Classification: Uncertain significance for RAI1-related condition. Last evaluated: 2026-05-26. Review status: criteria provided, single submitter. Criteria: ACMG Guidelines, 2015. Collection method: clinical testing. Allele origin: germline.
Comment: The RAI1 c.2750C>G variant is predicted to result in the amino acid substitution p.Pro917Arg. To our knowledge, this variant has not been reported in the literature or in a large population database (gnomAD), indicating this variant is rare. At this time, the clinical significance of this variant is uncertain due to the absence of conclusive functional and genetic evidence.